The following is an entry in ClinVar:

ClinVar aggregate classification (germline): Likely pathogenic (0 of 4 stars; one submission).

Conditions:
Tip-toe gait. Also called: Toe walking. Identifiers: MedGen C0427144, HP:0030051.

gnomAD v4.1: 1 of 1,612,958 alleles (0.000062%); highest among the groups gnomAD compares: African/African-American, 0.0013%; no homozygotes.

Submission:

Practice for Gait Abnormalities, David Pomarino, Competency Network Toe Walking C/o Practice Pomarino
Classification: Likely pathogenic for Tip-toe gait. Review status: no assertion criteria provided. Collection method: clinical testing. Allele origin: germline. Affected: yes.
Comment: Myopathy refers to diseases that affect skeletal Muscles. These diseases attack muscle fibers, making muscles weak. Inherited myopathies are often caused by inheriting an abnormal gene mutation from a parent that causes the disease. Symptoms of congenital myopathies usually start at birth or in early childhood, but may not appear until the teen years or even later in adulthood. Congenital myopathies are somewhat unique compared with other inherited myopathies, as weakness typically affects all muscles and is often not progressive. Symptoms are: Muscle weakness, most commonly of upper arms and shoulders and thighs, muscle cramps, stiffness and spasms, fatigue with exertion and lack of energy. Our patients all walk on tiptoe, so they show similar symptoms. When we genetically test them with our toe walking panel, we find that around 90 per cent of them have a genetic variant that explains their toe walking. These can be assigned, for example, to the area of myopathies (such as variants of the COL6A3 gene), the area of hereditary neuropathies (such as variants of the KMT2C gene) or the area of metabolic diseases (such as variants of the PYGM gene). In a smaller group of patients with almost identical symptoms, no abnormality is found in the genes of our panel, but spastic paraplegia can be detected. In another small group of our toe walkers, no abnormalities can be detected in the genes analysed in our toe walking panel, nor do they suffer from spastic paraplegia, as is also the case with healthy children. In contrast to these, however, they show a tiptoe gait. These patients suffer from infantile cerebral palsy, in which toe walking can also be observed.

Literature cited by the submitters: PubMed 37091313.

NM_001267550.2(TTN):c.29870C>T (p.Thr9957Ile)

Gene: TTN (titin; minus strand). Cytogenetic location: 2q31.2.
Variant type: single nucleotide variant.
Coding change: c.29870C>T on transcript NM_001267550.2 (MANE Select); coding-DNA position 29870, C replaced by T.
Protein change: p.Thr9957Ile; replaces threonine 9957 with isoleucine.
Molecular consequence: missense variant. On other transcripts: intron variant (3).
Genome position (GRCh38, 1-based): chr2:178,704,602, G>A on the plus strand (C>T on the coding strand, the complement: TTN is on the minus strand). VCF-style: chr2-178704602-G-A. GRCh37 (hg19) VCF-style: chr2-179569329-G-A.
Other names: c.28919C>T, p.Thr9640Ile (NM_001256850.1); c.26138C>T, p.Thr8713Ile (NM_133378.4); c.13282+33480C>T (NM_003319.4); c.13858+33480C>T (NM_133437.4); c.13657+33480C>T (NM_133432.3); short protein forms T8713I, T9640I, T9957I.
Identifiers: ClinVar variation 1679095 (VCV001679095.3), dbSNP rs2154291224, ClinGen allele CA349577555.